The following is an entry in ClinVar:

ClinVar aggregate classification (germline): Likely pathogenic (1 of 4 stars; one submission).

Conditions:
Thrombophilia, X-linked, due to factor 8 defect. Also called: THROMBOPHILIA, X-LINKED, DUE TO FACTOR VIII DEFECT; Thrombophilia 13, X-linked, due to factor VIII defect. Identifiers: MedGen C5676879, MONDO:0859082, OMIM 301071.
Hereditary factor VIII deficiency disease (HEMA). Also called: HEMOPHILIA, CLASSIC; AUTOSOMAL HEMOPHILIA A; Hemophilia A; Hemophilia A, congenital; HEM A; Factor 8 deficiency, congenital. Identifiers: Orphanet 98878, MedGen C0019069, MONDO:0010602, OMIM 306700.

Submission:

Juno Genomics, Hangzhou Juno Genomics, Inc
Classification: Likely pathogenic for Hereditary factor VIII deficiency disease; Thrombophilia, X-linked, due to factor 8 defect. Review status: criteria provided, single submitter. Criteria: ACMG Guidelines, 2015. Collection method: clinical testing. Allele origin: germline. Affected: yes.
Comment: Absent from controls (or at extremely low frequency if recessive) in Genome Aggregation Database, Exome Sequencing Project, 1000 Genomes Project, or Exome Aggregation Consortium.;Multiple lines of computational evidence support a deleterious effect on the gene or gene product (conservation, evolutionary, splicing impact, etc).;Patient's phenotype or family history is highly specific for a disease with a single genetic etiology.

NM_000132.4(F8):c.1571C>T (p.Pro524Leu)

Gene: F8 (coagulation factor VIII; minus strand). Cytogenetic location: Xq28.
Variant type: single nucleotide variant.
Coding change: c.1571C>T on transcript NM_000132.4 (MANE Select); coding-DNA position 1571, C replaced by T.
Protein change: p.Pro524Leu; replaces proline 524 with leucine.
Molecular consequence: missense variant.
Genome position (GRCh38, 1-based): chrX:154,957,138, G>A on the plus strand (C>T on the coding strand, the complement: F8 is on the minus strand). VCF-style: chrX-154957138-G-A. GRCh37 (hg19) VCF-style: chrX-154185413-G-A.
Other names: short protein forms P524L.
Identifiers: ClinVar variation 3382421 (VCV003382421.2).